The following is an entry in ClinVar:

NM_001384474.1(LOXHD1):c.3578C>T (p.Ala1193Val)

Gene: LOXHD1 (lipoxygenase homology PLAT domains 1; minus strand). Cytogenetic location: 18q21.1.
Variant type: single nucleotide variant.
Coding change: c.3578C>T on transcript NM_001384474.1 (MANE Select); coding-DNA position 3578, C replaced by T.
Protein change: p.Ala1193Val; replaces alanine 1193 with valine.
Molecular consequence: missense variant. On other transcripts: 5 prime UTR variant (1).
Genome position (GRCh38, 1-based): chr18:46,545,358, G>A on the plus strand (C>T on the coding strand, the complement: LOXHD1 is on the minus strand). VCF-style: chr18-46545358-G-A. GRCh37 (hg19) VCF-style: chr18-44125321-G-A.
Other names: c.245C>T, p.Ala82Val (NM_001145472.3); c.-44C>T (NM_001308013.2); c.3578C>T, p.Ala1193Val (NM_144612.7); short protein forms A1193V, A82V.
Identifiers: ClinVar variation 5003442 (VCV005003442.1).

ClinVar aggregate classification (germline): Uncertain significance (1 of 4 stars; one submission).

Conditions:
Autosomal recessive nonsyndromic hearing loss 77. Identifiers: Orphanet 90636, MedGen C2746083, MONDO:0013119, OMIM 613079.

gnomAD v4.1: 5 of 1,551,970 alleles (0.00032%); highest among the groups gnomAD compares: Non-Finnish European, 0.00044%; no homozygotes.

Submission:

Myriad Genetics, Inc.
Classification: Uncertain significance for Autosomal recessive nonsyndromic hearing loss 77. Last evaluated: 2025-11-03. Review status: criteria provided, single submitter. Criteria: Myriad Autosomal Dominant, Autosomal Recessive and X-Linked Classification Criteria (2023). Collection method: clinical testing. Allele origin: unknown.
Comment: NM_144612.6(LOXHD1):c.3578C>T(A1193V) is a missense variant classified as a variant of uncertain significance in the context of nonsyndromic hearing loss, LOXHD1-related. A1193V has been observed in a case with relevant disease (PMID: 31547530). Relevant functional assessments of this variant are not available in the literature. A1193V has not been observed in referenced population frequency databases. In summary, there is insufficient evidence to classify NM_144612.6(LOXHD1):c.3578C>T(A1193V) as pathogenic or benign. Please note: this variant was assessed in the context of healthy population screening.

Literature cited by the submitters: PubMed 31547530.